The following is an entry in ClinVar:

ClinVar aggregate classification (germline): Uncertain significance (1 of 4 stars; one submission).

Conditions:
Hypertrophic cardiomyopathy. Also called: HYPERTROPHIC MYOCARDIOPATHY. Identifiers: Orphanet 217569, MedGen C0007194, MeSH D002312, MONDO:0005045, HP:0001639.

Allele frequency attached by ClinVar (database versions not stated): gnomAD 0.00001; TOPMed 0.00001.
gnomAD v4.1: 2 of 1,613,280 alleles (0.00012%); highest among the groups gnomAD compares: East Asian, 0.0045%; no homozygotes.

Submission:

Labcorp Genetics (formerly Invitae), Labcorp
Classification: Uncertain significance for Hypertrophic cardiomyopathy. Last evaluated: 2023-08-11. Review status: criteria provided, single submitter. Criteria: Invitae Variant Classification Sherloc (09022015). Collection method: clinical testing. Allele origin: germline.
Comment: An algorithm developed to predict the effect of missense changes on protein structure and function (PolyPhen-2) suggests that this variant is likely to be tolerated. In summary, the available evidence is currently insufficient to determine the role of this variant in disease. Therefore, it has been classified as a Variant of Uncertain Significance. ClinVar contains an entry for this variant (Variation ID: 2159568). This missense change has been observed in individual(s) with congenital heart disease (PMID: 32368696). This variant is present in population databases (no rsID available, gnomAD 0.1%). This sequence change replaces asparagine, which is neutral and polar, with isoleucine, which is neutral and non-polar, at codon 360 of the JPH2 protein (p.Asn360Ile).

Literature cited by the submitters: PubMed 32368696.

NM_020433.5(JPH2):c.1079A>T (p.Asn360Ile)

Gene: JPH2 (junctophilin 2; minus strand). Cytogenetic location: 20q13.12.
Variant type: single nucleotide variant.
Coding change: c.1079A>T on transcript NM_020433.5 (MANE Select); coding-DNA position 1079, A replaced by T.
Protein change: p.Asn360Ile; replaces asparagine 360 with isoleucine.
Molecular consequence: missense variant.
Genome position (GRCh38, 1-based): chr20:44,159,708, T>A on the plus strand (A>T on the coding strand, the complement: JPH2 is on the minus strand). VCF-style: chr20-44159708-T-A. GRCh37 (hg19) VCF-style: chr20-42788348-T-A.
Other names: short protein forms N360I.
Identifiers: ClinVar variation 2159568 (VCV002159568.4), dbSNP rs1374929306, ClinGen allele CA409093011.